The following is an entry in ClinVar:

NM_000388.4(CASR):c.1385_1388dup (p.His463fs)

Gene: CASR (calcium sensing receptor; plus strand). Cytogenetic location: 3q21.1.
Variant type: Duplication.
Coding change: c.1385_1388dup on transcript NM_000388.4 (MANE Select); coding-DNA positions 1385 to 1388, 4 bases duplicated (AGCA; older notation c.1385_1388dupAGCA).
Protein change: p.His463fs; shifts the reading frame from histidine 463.
Molecular consequence: frameshift variant.
Genome position (GRCh38, 1-based): chr3:122,275,819-122,275,822, AGCA duplicated; duplicating any 4 consecutive bases within chr3:122,275,818-122,275,822 gives the same sequence; the c. name uses the placement nearest the transcript's 3' end. VCF-style (leftmost placement, unchanged base first): chr3-122275817-G-GAAGC. GRCh37 (hg19) VCF-style: chr3-121994664-G-GAAGC.
Other names: c.1385_1388dup, p.His463fs (NM_001178065.2); short protein forms H463fs.
Identifiers: ClinVar variation 1771365 (VCV001771365.2), dbSNP rs2473257377, ClinGen allele CA2580068623.

ClinVar aggregate classification (germline): Pathogenic (1 of 4 stars; one submission).

Conditions:
Nephrolithiasis/nephrocalcinosis. Identifiers: MedGen CN580796.

Submission:

Ambry Genetics
Classification: Pathogenic for Nephrolithiasis/nephrocalcinosis. Last evaluated: 2020-07-28. Review status: criteria provided, single submitter. Criteria: Ambry Variant Classification Scheme 2023. Collection method: clinical testing. Allele origin: germline.
Comment: The c.1385_1388dupAGCA pathogenic mutation, located in coding exon 4 of the CASR gene, results from a duplication of AGCA at nucleotide position 1385, causing a translational frameshift with a predicted alternate stop codon (p.H463Qfs*19). This alteration is expected to result in loss of function by premature protein truncation or nonsense-mediated mRNA decay. As such, this alteration is interpreted as a disease-causing mutation.